The following is an entry in ClinVar:

NM_012338.4(TSPAN12):c.215G>A (p.Cys72Tyr)

Gene: TSPAN12 (tetraspanin 12; minus strand). Cytogenetic location: 7q31.31.
Variant type: single nucleotide variant.
Coding change: c.215G>A on transcript NM_012338.4 (MANE Select); coding-DNA position 215, G replaced by A.
Protein change: p.Cys72Tyr; replaces cysteine 72 with tyrosine.
Molecular consequence: missense variant.
Genome position (GRCh38, 1-based): chr7:120,838,847, C>T on the plus strand (G>A on the coding strand, the complement: TSPAN12 is on the minus strand). VCF-style: chr7-120838847-C-T. GRCh37 (hg19) VCF-style: chr7-120478901-C-T.
Other names: short protein forms C72Y.
Identifiers: ClinVar variation 2765742 (VCV002765742.3), dbSNP rs1794526738, ClinGen allele CA369141310.

ClinVar aggregate classification (germline): Uncertain significance (1 of 4 stars; one submission).

Allele frequency attached by ClinVar (database versions not stated): TOPMed below 0.00001.

Submission:

Labcorp Genetics (formerly Invitae), Labcorp
Classification: Uncertain significance. Last evaluated: 2024-02-08. Review status: criteria provided, single submitter. Criteria: Invitae Variant Classification Sherloc (09022015). Collection method: clinical testing. Allele origin: germline.
Comment: This sequence change replaces cysteine, which is neutral and slightly polar, with tyrosine, which is neutral and polar, at codon 72 of the TSPAN12 protein (p.Cys72Tyr). This variant is not present in population databases (gnomAD no frequency). This variant has not been reported in the literature in individuals affected with TSPAN12-related conditions. Advanced modeling of protein sequence and biophysical properties (such as structural, functional, and spatial information, amino acid conservation, physicochemical variation, residue mobility, and thermodynamic stability) performed at Invitae indicates that this missense variant is expected to disrupt TSPAN12 protein function with a positive predictive value of 80%. In summary, the available evidence is currently insufficient to determine the role of this variant in disease. Therefore, it has been classified as a Variant of Uncertain Significance.